The following is an entry in ClinVar:

NM_002834.5(PTPN11):c.955A>G (p.Asn319Asp)

Gene: PTPN11 (protein tyrosine phosphatase non-receptor type 11; plus strand). Cytogenetic location: 12q24.13.
Variant type: single nucleotide variant.
Coding change: c.955A>G on transcript NM_002834.5 (MANE Select); coding-DNA position 955, A replaced by G.
Protein change: p.Asn319Asp; replaces asparagine 319 with aspartic acid.
Molecular consequence: missense variant.
Genome position (GRCh38, 1-based): chr12:112,477,878, A>G. VCF-style: chr12-112477878-A-G. GRCh37 (hg19) VCF-style: chr12-112915682-A-G.
Other names: c.955A>G, p.Asn319Asp (NM_001330437.2, NM_080601.3); c.952A>G, p.Asn318Asp (NM_001374625.1); c.955A>G (NM_002834.4); short protein forms N318D, N319D.
Identifiers: ClinVar variation 1403388 (VCV001403388.13), dbSNP rs2038531520, ClinGen allele CA386791102.

ClinVar aggregate classification (germline): Uncertain significance. Review status: criteria provided, multiple submitters, no conflicts (2 of 4 stars). 3 submissions from 3 submitters: Uncertain significance (3). Last evaluated 2026-03-05.

Conditions:
PTPN11-related disorder. Also called: PTPN11-Related Disorders.
Cardiovascular phenotype. Identifiers: MedGen CN230736.
RASopathy. Also called: rasopathies; Noonan spectrum disorder. Identifiers: Orphanet 536391, MedGen C5555857, MONDO:0021060.

Allele frequency attached by ClinVar (database versions not stated): gnomAD exomes below 0.00001.
gnomAD v4.1: 2 of 1,614,182 alleles (0.00012%); highest among the groups gnomAD compares: Non-Finnish European, 0.00017%; no homozygotes.

Submissions (3):

PreventionGenetics, part of Exact Sciences
Classification: Uncertain significance for PTPN11-related condition. Last evaluated: 2026-03-05. Review status: criteria provided, single submitter. Criteria: ACMG Guidelines, 2015. Collection method: clinical testing. Allele origin: germline.
Comment: The PTPN11 c.955A>G variant is predicted to result in the amino acid substitution p.Asn319Asp. To our knowledge, this variant has not been reported in the literature or in a large population database (gnomAD), indicating this variant is rare. At this time, the clinical significance of this variant is uncertain due to the absence of conclusive functional and genetic evidence.

Ambry Genetics
Classification: Uncertain significance for Cardiovascular phenotype. Last evaluated: 2025-11-20. Review status: criteria provided, single submitter. Criteria: Ambry Variant Classification Scheme 2023. Collection method: clinical testing. Allele origin: germline.

Labcorp Genetics (formerly Invitae), Labcorp
Classification: Uncertain significance for RASopathy. Last evaluated: 2025-02-07. Review status: criteria provided, single submitter. Criteria: Invitae Variant Classification Sherloc (09022015). Collection method: clinical testing. Allele origin: germline.
Comment: This sequence change replaces asparagine, which is neutral and polar, with aspartic acid, which is acidic and polar, at codon 319 of the PTPN11 protein (p.Asn319Asp). This variant is not present in population databases (gnomAD no frequency). This variant has not been reported in the literature in individuals affected with PTPN11-related conditions. ClinVar contains an entry for this variant (Variation ID: 1403388). Invitae Evidence Modeling of protein sequence and biophysical properties (such as structural, functional, and spatial information, amino acid conservation, physicochemical variation, residue mobility, and thermodynamic stability) indicates that this missense variant is not expected to disrupt PTPN11 protein function with a negative predictive value of 95%. In summary, the available evidence is currently insufficient to determine the role of this variant in disease. Therefore, it has been classified as a Variant of Uncertain Significance.